The following is an entry in ClinVar:

ClinVar aggregate classification (germline): Uncertain significance (1 of 4 stars; one submission).

gnomAD v4.1: 4 of 1,535,102 alleles (0.00026%); highest among the groups gnomAD compares: Admixed American, 0.0078%; no homozygotes.

Submission:

CeGaT Center for Human Genetics Tuebingen
Classification: Uncertain significance. Last evaluated: 2026-06-01. Review status: criteria provided, single submitter. Criteria: CeGaT Center For Human Genetics Tuebingen Variant Classification Criteria Version 2. Collection method: clinical testing. Allele origin: germline. Affected: yes. Observed: 1 variant allele.
Comment: KCNMA1: PM2, BP4

NM_001161352.2(KCNMA1):c.2092+3789A>G

Genes: KCNMA1 (potassium calcium-activated channel subfamily M alpha 1; minus strand), LOC130004139 (ATAC-STARR-seq lymphoblastoid active region 3609; plus strand). Cytogenetic location: 10q22.3.
Variant type: single nucleotide variant.
Coding change: c.2092+3789A>G on transcript NM_001161352.2 (MANE Select); 3789 bases into the intron after coding-DNA position 2092, A replaced by G.
Molecular consequence: intron variant.
Genome position (GRCh38, 1-based): chr10:77,008,178, T>C on the plus strand (A>G on the coding strand, the complement: KCNMA1 is on the minus strand). VCF-style: chr10-77008178-T-C. GRCh37 (hg19) VCF-style: chr10-78767936-T-C.
Other names: c.1942+3789A>G (NM_001271518.2); c.2092+3789A>G (NM_001322832.2, NM_001410940.1, NM_001437423.1 and 2 more transcripts); c.2101+7A>G (NM_001322829.2, NM_001322836.2, NM_001271519.2); c.2104+3789A>G (NM_001014797.3, NM_001322835.2, NM_001322837.2); c.2113+7A>G (NM_001322830.2); c.1552+3789A>G (NM_001322838.2); c.2224+3789A>G (NM_001437422.1).
Identifiers: ClinVar variation 4874465 (VCV004874465.2).